The following is an entry in ClinVar:

NM_001010909.5(MUC21):c.1203G>A (p.Gly401=)

Genes: MUC21 (mucin 21, cell surface associated; plus strand), LOC126859647 (CDK7 strongly-dependent group 2 enhancer GRCh37_chr6:30954612-30955811; plus strand). Cytogenetic location: 6p21.33.
Variant type: single nucleotide variant.
Coding change: c.1203G>A on transcript NM_001010909.5 (MANE Select); coding-DNA position 1203, G replaced by A.
Protein change: p.Gly401=; no amino-acid change (glycine 401 retained).
Molecular consequence: synonymous variant. On other transcripts: non-coding transcript variant (1).
Genome position (GRCh38, 1-based): chr6:30,987,378, G>A. VCF-style: chr6-30987378-G-A. GRCh37 (hg19) VCF-style: chr6-30955155-G-A.
Other names: c.1293G>A, p.Glu431= (NM_001322370.2); c.1293G>A, p.Gly431= (NM_001322371.2).
Identifiers: ClinVar variation 3234360 (VCV003234360.20), dbSNP rs2538888412, ClinGen allele CA449782686.

ClinVar aggregate classification (germline): Likely benign (1 of 4 stars; one submission).

Submission:

CeGaT Center for Human Genetics Tuebingen
Classification: Likely benign. Last evaluated: 2024-04-01. Review status: criteria provided, single submitter. Criteria: CeGaT Center For Human Genetics Tuebingen Variant Classification Criteria Version 2. Collection method: clinical testing. Allele origin: germline. Affected: yes. Observed: 1 variant allele.
Comment: MUC21: PM2:Supporting, BP4, BP7